The following is an entry in ClinVar:

ClinVar aggregate classification (germline): Conflicting classifications of pathogenicity. Review status: criteria provided, conflicting classifications (1 of 4 stars). 7 submissions from 7 submitters: Uncertain significance (2); Likely benign (3). 2 of the submissions do not count toward it. Last evaluated 2026-09-01.

Conditions:
SOX3-related disorder. Also called: SOX3-related condition; SOX3-Related Disorders.
Intellectual developmental disorder, X-linked, with panhypopituitarism. Also called: Intellectual disability, X-linked, with panhypopituitarism. Identifiers: MedGen C2678223, MONDO:0010252, OMIM 300123.

Submissions (7):

CeGaT Center for Human Genetics Tuebingen
Classification: Likely benign. Last evaluated: 2026-09-01. Review status: criteria provided, single submitter. Criteria: CeGaT Center For Human Genetics Tuebingen Variant Classification Criteria Version 2. Collection method: clinical testing. Allele origin: germline. Affected: yes. Observed: 4 variant alleles.
Comment: SOX3: BS2

Women's Health and Genetics/Laboratory Corporation of America, LabCorp
Classification: Likely benign. Last evaluated: 2026-06-05. Review status: criteria provided, single submitter. Criteria: LabCorp Variant Classification Summary - May 2015. Collection method: clinical testing. Allele origin: germline.
Comment: Variant summary: SOX3 c.735_737dupCGC (p.Ala248dup) results in an in-frame duplication that is predicted to duplicate one amino acid into the encoded protein. The variant allele was found at a frequency of 2.8e-05 in 35250 control chromosomes. A total of 30 hemizygotes of this variant was reported in the gnomAD v4 database. To our knowledge, no occurrence of c.735_737dupCGC in individuals affected with SOX3-related conditions and no experimental evidence demonstrating its impact on protein function have been reported. ClinVar contains an entry for this variant (Variation ID: 95305). Based on the evidence outlined above, the variant was classified as likely benign.

Labcorp Genetics (formerly Invitae), Labcorp
Classification: Likely benign. Last evaluated: 2025-08-21. Review status: criteria provided, single submitter. Criteria: Invitae Variant Classification Sherloc (09022015). Collection method: clinical testing. Allele origin: germline.

Genomic Research Center, Shahid Beheshti University of Medical Sciences
Classification: Uncertain significance for Mental retardation with panhypopituitarism, X-linked. Last evaluated: 2019-04-27. Review status: criteria provided, single submitter. Criteria: ACMG Guidelines, 2015. Collection method: clinical testing. Allele origin: unknown. Affected: no.

Center for Personalized Medicine, Children's Hospital Los Angeles
Classification: Uncertain significance. Last evaluated: 2018-11-19. Review status: criteria provided, single submitter. Criteria: ACMG Guidelines, 2015. Collection method: clinical testing. Allele origin: germline. Affected: yes.

PreventionGenetics, part of Exact Sciences
Classification: Likely benign for SOX3-related condition. Last evaluated: 2022-12-21. Review status: no assertion criteria provided. Collection method: clinical testing. Allele origin: germline. Not counted in ClinVar's aggregate classification.
Comment: This variant is classified as likely benign based on ACMG/AMP sequence variant interpretation guidelines (Richards et al. 2015 PMID: 25741868, with internal and published modifications).

Eurofins Ntd Llc (ga)
Classification: Uncertain significance. Last evaluated: 2013-01-21. Review status: no assertion criteria provided. Collection method: clinical testing. Allele origin: germline. Observed: 1 variant allele, 1 heterozygote. Not counted in ClinVar's aggregate classification.

Literature cited by the submitters: PubMed 23757202 (cited by Eurofins Ntd Llc (ga)).

NM_005634.3(SOX3):c.735_737dup (p.Ala248dup)

Gene: SOX3 (SRY-box transcription factor 3; minus strand). Cytogenetic location: Xq27.1.
Variant type: Duplication.
Coding change: c.735_737dup on transcript NM_005634.3 (MANE Select); coding-DNA positions 735 to 737, 3 bases duplicated (CGC; older notation c.735_737dupCGC).
Protein change: p.Ala248dup; duplicates alanine 248.
Molecular consequence: inframe insertion.
Genome position (GRCh38, 1-based): chrX:140,504,324-140,504,326, GCG duplicated on the plus strand (CGC on the coding strand, the reverse complement: SOX3 is on the minus strand); duplicating any 3 consecutive bases within chrX:140,504,324-140,504,328 gives the same sequence; the c. name uses the placement nearest the transcript's 3' end. VCF-style (leftmost placement, unchanged base first): chrX-140504323-A-AGCG. GRCh37 (hg19) VCF-style: chrX-139586488-A-AGCG.
Other names: c.735_737dupCGC (NM_005634.2, NM_005634.3).
Identifiers: ClinVar variation 95305 (VCV000095305.35), dbSNP rs398124211, ClinGen allele CA222893.